The following is an entry in ClinVar:

NM_018136.5(ASPM):c.5101_5102insG (p.Leu1701fs)

Gene: ASPM (assembly factor for spindle microtubules; minus strand). Cytogenetic location: 1q31.3.
Variant type: Insertion.
Coding change: c.5101_5102insG on transcript NM_018136.5 (MANE Select); coding-DNA positions 5101 to 5102, G inserted.
Protein change: p.Leu1701fs; shifts the reading frame from leucine 1701.
Molecular consequence: frameshift variant. On other transcripts: intron variant (1).
Genome position: GRCh38 VCF-style: chr1-197104149-A-AC. GRCh37 (hg19) VCF-style: chr1-197073279-A-AC.
Other names: c.4066-7986_4066-7985insG (NM_001206846.2); short protein forms L1701fs.
Identifiers: ClinVar variation 419191 (VCV000419191.2), dbSNP rs1064793707, ClinGen allele CA16617034.
Genomic context (GRCh38, chr1:197,104,149, plus strand): 5'-TTTTGTGCAGCTATTTTTTTGGAACGGTAACATTGCTGGATAAATAGTGCAGCTGCTCTT[A>AC]AATGCAAATATTGTTTACGTGTTTGTTTCATCTTAACAGTTGACTGCAATTTTATTGTAG-3'

ClinVar aggregate classification (germline): Pathogenic (1 of 4 stars; one submission).

Submission:

GeneDx
Classification: Pathogenic. Last evaluated: 2016-02-24. Review status: criteria provided, single submitter. Criteria: GeneDx Variant Classification (06012015). Collection method: clinical testing. Allele origin: germline. Affected: yes.
Comment: The c.5101_5102insG variant in the ASPM gene has not been reported previously as a disease-causing variant nor as a benign polymorphism, to our knowledge. The c.5101_5102insG variant causes a frameshift starting with codon Leucine 1701, changes this amino acid to a Cysteine residue, and creates a premature Stop codon at position 40 of the new reading frame, denoted Leu1701CysfsX40. This variant is predicted to cause loss of normal protein function either through protein truncation or nonsense-mediated mRNA decay. The c.5101_5102insG variant was not observed in approximately 6500 individuals of European and African American ancestry in the NHLBI Exome Sequencing Project, indicating it is not a common benign variant in these populations. We interpret c.5101_5102insG as a pathogenic variant.